The following is an entry in ClinVar:

ClinVar aggregate classification (germline): Likely pathogenic (1 of 4 stars; one submission).

Conditions:
Dilated cardiomyopathy 1G (CMD1G). Identifiers: Orphanet 154, MedGen C1858763, MONDO:0011400, OMIM 604145.

Submission:

3billion
Classification: Likely pathogenic for Dilated cardiomyopathy 1G. Last evaluated: 2022-05-22. Review status: criteria provided, single submitter. Criteria: ACMG Guidelines, 2015. Collection method: clinical testing. Allele origin: germline. Affected: yes. Observed: 1 heterozygote.
Comment: The variant is not observed in the gnomAD v2.1.1 dataset. Frameshift: predicted to result in a loss or disruption of normal protein function through nonsense-mediated decay (NMD) or protein truncation. Multiple pathogenic variants are reported downstream of the variant. Therefore, this variant is classified as likely pathogenic according to the recommendation of ACMG/AMP guideline.

NM_001267550.2(TTN):c.74767dup (p.Asp24923fs)

Genes: TTN-AS1 (TTN antisense RNA 1; plus strand), TTN (titin; minus strand). Cytogenetic location: 2q31.2.
Variant type: Duplication.
Coding change: c.74767dup on transcript NM_001267550.2 (MANE Select); coding-DNA position 74767, one base duplicated (G; older notation c.74767dupG).
Protein change: p.Asp24923fs; shifts the reading frame from aspartic acid 24923.
Molecular consequence: frameshift variant. On other transcripts: non-coding transcript variant (1).
Genome position (GRCh38, 1-based): chr2:178,571,365, C duplicated on the plus strand (G on the coding strand, the reverse complement: TTN is on the minus strand); the first of 3 consecutive C bases (chr2:178,571,365-178,571,367); duplicating any one gives the same sequence. VCF-style (leftmost placement, unchanged base first): chr2-178571364-T-TC. GRCh37 (hg19) VCF-style: chr2-179436091-T-TC.
Other names: c.69844dup, p.Asp23282fs (NM_001256850.1); c.47572dup, p.Asp15858fs (NM_003319.4); c.67063dup, p.Asp22355fs (NM_133378.4); c.47947dup, p.Asp15983fs (NM_133432.3); c.48148dup, p.Asp16050fs (NM_133437.4); short protein forms D15858fs, D15983fs, D16050fs, D22355fs, D23282fs, D24923fs.
Identifiers: ClinVar variation 1687457 (VCV001687457.1), dbSNP rs1343078144, ClinGen allele CA2573134126.